The following is an entry in ClinVar:

NM_000256.3(MYBPC3):c.3356A>G (p.Tyr1119Cys)

Gene: MYBPC3 (myosin binding protein C3; minus strand). Cytogenetic location: 11p11.2.
Variant type: single nucleotide variant.
Coding change: c.3356A>G on transcript NM_000256.3 (MANE Select); coding-DNA position 3356, A replaced by G.
Protein change: p.Tyr1119Cys; replaces tyrosine 1119 with cysteine.
Molecular consequence: missense variant.
Genome position (GRCh38, 1-based): chr11:47,332,948, T>C on the plus strand (A>G on the coding strand, the complement: MYBPC3 is on the minus strand). VCF-style: chr11-47332948-T-C. GRCh37 (hg19) VCF-style: chr11-47354499-T-C.
Other names: short protein forms Y1119C.
Identifiers: ClinVar variation 918821 (VCV000918821.7), dbSNP rs1595841315, ClinGen allele CA380313820.

ClinVar aggregate classification (germline): Uncertain significance. Review status: criteria provided, multiple submitters, no conflicts (2 of 4 stars). 2 submissions from 2 submitters: Uncertain significance (2). Last evaluated 2023-12-05.

Conditions:
Cardiovascular phenotype. Identifiers: MedGen CN230736.
Cardiomyopathy (CMYO). Also called: Cardiomyopathies. Identifiers: Orphanet 167848, MedGen C0878544, MONDO:0004994, HP:0001638. Inheritance: Various modes of inheritance.

Submissions (2):

Color Diagnostics, LLC DBA Color Health
Classification: Uncertain significance for Cardiomyopathy. Last evaluated: 2023-12-05. Review status: criteria provided, single submitter. Criteria: ACMG Guidelines, 2015. Collection method: clinical testing. Allele origin: germline.
Comment: Variant of Uncertain Significance due to insufficient evidence: This missense variant is located in the fibronectin type 3 domain C9 of the MYBPC3 protein. Computational prediction tools and conservation analyses suggest that this variant may have deleterious impact on the protein function. Computational splicing tools suggest that this variant may not impact RNA splicing. To our knowledge, functional assays have not been performed for this variant nor has this variant been reported in individuals affected with cardiovascular disorders in the literature. This variant is rare in the general population and has been identified in 0/277264 chromosomes by the Genome Aggregation Database (gnomAD). Available evidence is insufficient to determine the pathogenicity of this variant conclusively.

Ambry Genetics
Classification: Uncertain significance for Cardiovascular phenotype. Last evaluated: 2022-09-08. Review status: criteria provided, single submitter. Criteria: Ambry Variant Classification Scheme 2023. Collection method: clinical testing. Allele origin: germline.
Comment: The p.Y1119C variant (also known as c.3356A>G), located in coding exon 31 of the MYBPC3 gene, results from an A to G substitution at nucleotide position 3356. The tyrosine at codon 1119 is replaced by cysteine, an amino acid with highly dissimilar properties. This amino acid position is conserved. In addition, this alteration is predicted to be deleterious by in silico analysis. Since supporting evidence is limited at this time, the clinical significance of this alteration remains unclear.